The following is an entry in ClinVar:

ClinVar aggregate classification (germline): Uncertain significance (1 of 4 stars; one submission).

Conditions:
Multiple epiphyseal dysplasia type 4 (EDM4). Also called: SLC26A2-Related Multiple Epiphyseal Dysplasia; Multiple Epiphyseal Dysplasia, Recessive; MULTIPLE EPIPHYSEAL DYSPLASIA WITH BILAYERED PATELLAE; MULTIPLE EPIPHYSEAL DYSPLASIA WITH CLUBFOOT; MULTIPLE EPIPHYSEAL DYSPLASIA, AUTOSOMAL RECESSIVE. Identifiers: Orphanet 93307, MedGen C1847593, MONDO:0009189, OMIM 226900.
Atelosteogenesis type II (AO2). Also called: SLC26A2-Related Atelosteogenesis; NEONATAL OSSEOUS DYSPLASIA I; Neonatal osseous dysplasia 1. Identifiers: Orphanet 56304, MedGen C1850554, MONDO:0009727, OMIM 256050.
Achondrogenesis, type IB (ACG1B). Also called: Achondrogenesis Type 1B. Identifiers: Orphanet 932, Orphanet 93298, MedGen C0265274, MONDO:0010966, OMIM 600972.
Diastrophic dysplasia (DTD). Also called: Diastrophic dwarfism. Identifiers: Orphanet 628, MedGen C0220726, MONDO:0009107, OMIM 222600.

Allele frequency attached by ClinVar (database versions not stated): gnomAD exomes below 0.00001.
gnomAD v4.1: 1 of 1,613,924 alleles (0.000062%); highest among the groups gnomAD compares: East Asian, 0.0022%; no homozygotes.

Submission:

Labcorp Genetics (formerly Invitae), Labcorp
Classification: Uncertain significance for Atelosteogenesis type II; Multiple epiphyseal dysplasia type 4; Achondrogenesis, type IB; Diastrophic dysplasia. Last evaluated: 2022-07-08. Review status: criteria provided, single submitter. Criteria: Invitae Variant Classification Sherloc (09022015). Collection method: clinical testing. Allele origin: germline.
Comment: In summary, the available evidence is currently insufficient to determine the role of this variant in disease. Therefore, it has been classified as a Variant of Uncertain Significance. Advanced modeling of protein sequence and biophysical properties (such as structural, functional, and spatial information, amino acid conservation, physicochemical variation, residue mobility, and thermodynamic stability) performed at Invitae indicates that this missense variant is expected to disrupt SLC26A2 protein function. This variant has not been reported in the literature in individuals affected with SLC26A2-related conditions. This variant is present in population databases (no rsID available, gnomAD 0.006%). This sequence change replaces proline, which is neutral and non-polar, with leucine, which is neutral and non-polar, at codon 371 of the SLC26A2 protein (p.Pro371Leu).

NM_000112.4(SLC26A2):c.1112C>T (p.Pro371Leu)

Gene: SLC26A2 (solute carrier family 26 member 2; plus strand). Cytogenetic location: 5q32.
Variant type: single nucleotide variant.
Coding change: c.1112C>T on transcript NM_000112.4 (MANE Select); coding-DNA position 1112, C replaced by T.
Protein change: p.Pro371Leu; replaces proline 371 with leucine.
Molecular consequence: missense variant.
Genome position (GRCh38, 1-based): chr5:149,980,705, C>T. VCF-style: chr5-149980705-C-T. GRCh37 (hg19) VCF-style: chr5-149360268-C-T.
Other names: short protein forms P371L.
Identifiers: ClinVar variation 1908829 (VCV001908829.5), dbSNP rs1418899122, ClinGen allele CA361707178.
Genomic context (GRCh38, chr5:149,980,705, plus strand): 5'-AACTACATGAAAATTATAATTCTAGTATTGCTGGACATATTCCCACTGGGTTTATGCCAC[C>T]CAAAGTACCAGAATGGAACCTAATTCCTAGTGTGGCTGTAGATGCAATAGCTATTTCCAT-3'
Protein context (NP_000103.2, residues 361-381): AGHIPTGFMP[Pro371Leu]KVPEWNLIPS